The following is an entry in ClinVar:

ClinVar aggregate classification (germline): Uncertain significance (1 of 4 stars; one submission).

Submission:

Labcorp Genetics (formerly Invitae), Labcorp
Classification: Uncertain significance. Last evaluated: 2024-06-30. Review status: criteria provided, single submitter. Criteria: Invitae Variant Classification Sherloc (09022015). Collection method: clinical testing. Allele origin: germline.
Comment: This sequence change replaces valine, which is neutral and non-polar, with alanine, which is neutral and non-polar, at codon 1601 of the VCAN protein (p.Val1601Ala). This variant is not present in population databases (gnomAD no frequency). This variant has not been reported in the literature in individuals affected with VCAN-related conditions. An algorithm developed to predict the effect of missense changes on protein structure and function (PolyPhen-2) suggests that this variant is likely to be tolerated. In summary, the available evidence is currently insufficient to determine the role of this variant in disease. Therefore, it has been classified as a Variant of Uncertain Significance.

NM_004385.5(VCAN):c.4802T>C (p.Val1601Ala)

Genes: VCAN (versican; plus strand), VCAN-AS1 (VCAN antisense RNA 1; minus strand). Cytogenetic location: 5q14.3.
Variant type: single nucleotide variant.
Coding change: c.4802T>C on transcript NM_004385.5 (MANE Select); coding-DNA position 4802, T replaced by C.
Protein change: p.Val1601Ala; replaces valine 1601 with alanine.
Molecular consequence: missense variant. On other transcripts: intron variant (2).
Genome position (GRCh38, 1-based): chr5:83,537,805, T>C. VCF-style: chr5-83537805-T-C. GRCh37 (hg19) VCF-style: chr5-82833624-T-C.
Other names: c.1841T>C, p.Val614Ala (NM_001164097.2); c.4004-7732T>C (NM_001164098.2); c.1043-7732T>C (NM_001126336.3); short protein forms V1601A, V614A.
Identifiers: ClinVar variation 3675335 (VCV003675335.2).